The following is an entry in ClinVar:

NM_020533.3(MCOLN1):c.550A>G (p.Ile184Val)

Gene: MCOLN1 (mucolipin TRP cation channel 1; plus strand). Cytogenetic location: 19p13.2.
Variant type: single nucleotide variant.
Coding change: c.550A>G on transcript NM_020533.3 (MANE Select); coding-DNA position 550, A replaced by G.
Protein change: p.Ile184Val; replaces isoleucine 184 with valine.
Molecular consequence: missense variant.
Genome position (GRCh38, 1-based): chr19:7,526,905, A>G. VCF-style: chr19-7526905-A-G. GRCh37 (hg19) VCF-style: chr19-7591791-A-G.
Other names: short protein forms I184V.
Identifiers: ClinVar variation 3573720 (VCV003573720.3).

ClinVar aggregate classification (germline): Uncertain significance. Review status: criteria provided, multiple submitters, no conflicts (2 of 4 stars). 2 submissions from 2 submitters: Uncertain significance (2). Last evaluated 2024-07-16.

Conditions:
Mucolipidosis type IV (ML4). Also called: ML IV. Identifiers: Orphanet 578, MedGen C0238286, MONDO:0009653, OMIM 252650.

Submissions (2):

GeneDx
Classification: Uncertain significance. Last evaluated: 2024-07-16. Review status: criteria provided, single submitter. Criteria: GeneDx Variant Classification Process June 2021. Collection method: clinical testing. Allele origin: germline. Affected: yes.
Comment: Not observed at significant frequency in large population cohorts (gnomAD); In silico analysis indicates that this missense variant does not alter protein structure/function; Has not been previously published as pathogenic or benign to our knowledge

Labcorp Genetics (formerly Invitae), Labcorp
Classification: Uncertain significance for Mucolipidosis type IV. Last evaluated: 2024-04-13. Review status: criteria provided, single submitter. Criteria: Invitae Variant Classification Sherloc (09022015). Collection method: clinical testing. Allele origin: germline.
Comment: This sequence change replaces isoleucine, which is neutral and non-polar, with valine, which is neutral and non-polar, at codon 184 of the MCOLN1 protein (p.Ile184Val). This variant is present in population databases (no rsID available, gnomAD 0.006%). This variant has not been reported in the literature in individuals affected with MCOLN1-related conditions. Advanced modeling of protein sequence and biophysical properties (such as structural, functional, and spatial information, amino acid conservation, physicochemical variation, residue mobility, and thermodynamic stability) has been performed at Invitae for this missense variant, however the output from this modeling did not meet the statistical confidence thresholds required to predict the impact of this variant on MCOLN1 protein function. In summary, the available evidence is currently insufficient to determine the role of this variant in disease. Therefore, it has been classified as a Variant of Uncertain Significance.